The following is an entry in ClinVar:

NM_014712.3(SETD1A):c.3564G>A (p.Gln1188=)

Gene: SETD1A (SET domain containing 1A, histone lysine methyltransferase; plus strand). Cytogenetic location: 16p11.2.
Variant type: single nucleotide variant.
Coding change: c.3564G>A on transcript NM_014712.3 (MANE Select); coding-DNA position 3564, G replaced by A.
Protein change: p.Gln1188=; no amino-acid change (glutamine 1188 retained).
Molecular consequence: synonymous variant.
Genome position (GRCh38, 1-based): chr16:30,979,350, G>A. VCF-style: chr16-30979350-G-A. GRCh37 (hg19) VCF-style: chr16-30990671-G-A.
Identifiers: ClinVar variation 4534459 (VCV004534459.6).

ClinVar aggregate classification (germline): Likely benign (1 of 4 stars; one submission).

gnomAD v4.1: 2 of 1,613,036 alleles (0.00012%); highest among the groups gnomAD compares: Non-Finnish European, 0.00017%; no homozygotes.

Submission:

CeGaT Center for Human Genetics Tuebingen
Classification: Likely benign. Last evaluated: 2025-10-01. Review status: criteria provided, single submitter. Criteria: CeGaT Center For Human Genetics Tuebingen Variant Classification Criteria Version 2. Collection method: clinical testing. Allele origin: germline. Affected: yes. Observed: 1 variant allele.
Comment: SETD1A: BP4, BP7